The following is an entry in ClinVar:

NM_000081.4(LYST):c.-140G>C

Genes: LYST (lysosomal trafficking regulator; minus strand), LOC129932856 (ATAC-STARR-seq lymphoblastoid silent region 1991; plus strand). Cytogenetic location: 1q42.3.
Variant type: single nucleotide variant.
Coding change: c.-140G>C on transcript NM_000081.4 (MANE Select); 140 bases upstream of the start codon, G replaced by C.
Molecular consequence: 5 prime UTR variant. On other transcripts: intron variant (1).
Genome position (GRCh38, 1-based): chr1:235,866,885, C>G on the plus strand (G>C on the coding strand, the complement: LYST is on the minus strand). VCF-style: chr1-235866885-C-G. GRCh37 (hg19) VCF-style: chr1-236030185-C-G.
Other names: c.-98+16302G>C (NM_001301365.1).
Identifiers: ClinVar variation 296446 (VCV000296446.30), dbSNP rs544018977, ClinGen allele CA10609573.

ClinVar aggregate classification (germline): Conflicting classifications of pathogenicity. Review status: criteria provided, conflicting classifications (1 of 4 stars). 2 submissions from 2 submitters: Uncertain significance (1); Likely benign (1). Last evaluated 2022-10-01.

Allele frequency attached by ClinVar (database versions not stated): 1000 Genomes Project 0.00160; TOPMed 0.00225; 1000 Genomes Project 30x 0.00359; gnomAD 0.00420; gnomAD exomes 0.01086.
gnomAD v4.1: 659 of 153,846 alleles (0.43%); highest among the groups gnomAD compares: Middle Eastern, 2.4%; 9 homozygotes.

Submissions (2):

CeGaT Center for Human Genetics Tuebingen
Classification: Likely benign. Last evaluated: 2022-10-01. Review status: criteria provided, single submitter. Criteria: CeGaT Center For Human Genetics Tuebingen Variant Classification Criteria Version 2. Collection method: clinical testing. Allele origin: germline. Affected: yes. Observed: 1 variant allele.
Comment: LYST: BS2

Breakthrough Genomics
Classification: Uncertain significance. Review status: criteria provided, single submitter. Criteria: ACMG Guidelines, 2015. Collection method: not provided. Allele origin: germline. Inheritance: Autosomal recessive inheritance. Affected: yes.